The following is an entry in ClinVar:

ClinVar aggregate classification (germline): Uncertain significance (1 of 4 stars; one submission).

Conditions:
Maple syrup urine disease (MSUD). Identifiers: Orphanet 511, MedGen C0024776, MeSH D008375, MONDO:0009563. Disease mechanism: loss of function.

Submission:

Labcorp Genetics (formerly Invitae), Labcorp
Classification: Uncertain significance for Maple syrup urine disease. Last evaluated: 2024-05-29. Review status: criteria provided, single submitter. Criteria: Invitae Variant Classification Sherloc (09022015). Collection method: clinical testing. Allele origin: germline.
Comment: This sequence change replaces aspartic acid, which is acidic and polar, with tyrosine, which is neutral and polar, at codon 204 of the DBT protein (p.Asp204Tyr). This variant is not present in population databases (gnomAD no frequency). This variant has not been reported in the literature in individuals affected with DBT-related conditions. Advanced modeling of protein sequence and biophysical properties (such as structural, functional, and spatial information, amino acid conservation, physicochemical variation, residue mobility, and thermodynamic stability) performed at Invitae indicates that this missense variant is expected to disrupt DBT protein function with a positive predictive value of 95%. In summary, the available evidence is currently insufficient to determine the role of this variant in disease. Therefore, it has been classified as a Variant of Uncertain Significance.

NM_001918.5(DBT):c.610G>T (p.Asp204Tyr)

Gene: DBT (dihydrolipoamide branched chain transacylase E2; minus strand). Cytogenetic location: 1p21.2.
Variant type: single nucleotide variant.
Coding change: c.610G>T on transcript NM_001918.5 (MANE Select); coding-DNA position 610, G replaced by T.
Protein change: p.Asp204Tyr; replaces aspartic acid 204 with tyrosine.
Molecular consequence: missense variant. On other transcripts: non-coding transcript variant (3).
Genome position (GRCh38, 1-based): chr1:100,216,145, C>A on the plus strand (G>T on the coding strand, the complement: DBT is on the minus strand). VCF-style: chr1-100216145-C-A. GRCh37 (hg19) VCF-style: chr1-100681701-C-A.
Other names: c.67G>T, p.Asp23Tyr (NM_001399969.1, NM_001399972.1); short protein forms D204Y, D23Y.
Identifiers: ClinVar variation 3668886 (VCV003668886.2).